The following is an entry in ClinVar:

NM_001035.3(RYR2):c.4768T>C (p.Phe1590Leu)

Gene: RYR2 (ryanodine receptor 2; plus strand). Cytogenetic location: 1q43.
Variant type: single nucleotide variant.
Coding change: c.4768T>C on transcript NM_001035.3 (MANE Select); coding-DNA position 4768, T replaced by C.
Protein change: p.Phe1590Leu; replaces phenylalanine 1590 with leucine.
Molecular consequence: missense variant.
Genome position (GRCh38, 1-based): chr1:237,610,846, T>C. VCF-style: chr1-237610846-T-C. GRCh37 (hg19) VCF-style: chr1-237774146-T-C.
Other names: short protein forms F1590L.
Identifiers: ClinVar variation 3074614 (VCV003074614.4), dbSNP rs1677772903, ClinGen allele CA345402468.

ClinVar aggregate classification (germline): Uncertain significance. Review status: criteria provided, multiple submitters, no conflicts (2 of 4 stars). 4 submissions from 4 submitters: Uncertain significance (4). Last evaluated 2026-01-28.

Conditions:
Catecholaminergic polymorphic ventricular tachycardia (CVPT). Also called: Catecholamine-induced polymorphic ventricular tachycardia. Identifiers: Orphanet 3286, MedGen C5574922, MONDO:0017990.
Cardiomyopathy (CMYO). Also called: Cardiomyopathies. Identifiers: Orphanet 167848, MedGen C0878544, MONDO:0004994, HP:0001638. Inheritance: Various modes of inheritance.
Catecholaminergic polymorphic ventricular tachycardia 1. Also called: VENTRICULAR TACHYCARDIA, STRESS-INDUCED POLYMORPHIC 1; VENTRICULAR TACHYCARDIA, CATECHOLAMINERGIC POLYMORPHIC, 1, WITH OR WITHOUT ATRIAL DYSFUNCTION AND/OR DILATED CARDIOMYOPATHY; RYR2-Related Catecholaminergic Polymorphic Ventricular Tachycardia. Identifiers: Orphanet 3286, MedGen C1631597, MONDO:0011484, OMIM 604772.

Allele frequency attached by ClinVar (database versions not stated): gnomAD exomes below 0.00001; TOPMed below 0.00001.
gnomAD v4.1: 1 of 1,613,390 alleles (0.000062%); highest among the groups gnomAD compares: Non-Finnish European, 0.000085%; no homozygotes.

Submissions (4):

Labcorp Genetics (formerly Invitae), Labcorp
Classification: Uncertain significance for Catecholaminergic polymorphic ventricular tachycardia 1. Last evaluated: 2026-01-28. Review status: criteria provided, single submitter. Criteria: Invitae Variant Classification Sherloc (09022015). Collection method: clinical testing. Allele origin: germline.
Comment: This sequence change replaces phenylalanine, which is neutral and non-polar, with leucine, which is neutral and non-polar, at codon 1590 of the RYR2 protein (p.Phe1590Leu). This variant is not present in population databases (gnomAD no frequency). This variant has not been reported in the literature in individuals affected with RYR2-related conditions. ClinVar contains an entry for this variant (Variation ID: 3074614). Invitae Evidence Modeling of protein sequence and biophysical properties (such as structural, functional, and spatial information, amino acid conservation, physicochemical variation, residue mobility, and thermodynamic stability) indicates that this missense variant is not expected to disrupt RYR2 protein function with a negative predictive value of 95%. In summary, the available evidence is currently insufficient to determine the role of this variant in disease. Therefore, it has been classified as a Variant of Uncertain Significance.

Dasa
Classification: Uncertain significance. Last evaluated: 2025-09-30. Review status: criteria provided, single submitter. Criteria: DASA Assertion Criteria. Collection method: clinical testing. Allele origin: germline.
Comment: NM_001035.3(RYR2):c.4768T>C (p.Phe1590Leu) is a missense variant that results in the substitution of phenylalanine with leucine. This variant is rare in population databases. The currently available literature and clinical evidence are not sufficient to establish a definitive association between this variant and the reported condition. Therefore, this variant is classified as a variant of uncertain significance.

All of Us Research Program, National Institutes of Health
Classification: Uncertain significance for Catecholaminergic polymorphic ventricular tachycardia. Last evaluated: 2023-11-20. Review status: criteria provided, single submitter. Criteria: ACMG Guidelines, 2015. Collection method: clinical testing. Allele origin: germline. Inheritance: Autosomal dominant inheritance. Observed: 1 variant allele, 1 heterozygote.
Comment: This missense variant replaces phenylalanine with leucine at codon 1590 of the RYR2 protein. Computational prediction suggests that this variant may not impact protein structure and function (internally defined REVEL score threshold <= 0.5, PMID: 27666373). To our knowledge, functional studies have not been reported for this variant. This variant has not been reported in individuals affected with RYR2-related disorders in the literature. This variant has not been identified in the general population by the Genome Aggregation Database (gnomAD). The available evidence is insufficient to determine the role of this variant in disease conclusively. Therefore, this variant is classified as a Variant of Uncertain Significance.

This study involves interpretation of variants in research participants for the purpose of population health screening. Participant phenotype was not available at the time of variant classification. Additional details can be found in publication PMID: 35346344, PMCID: PMC8962531

Color Diagnostics, LLC DBA Color Health
Classification: Uncertain significance for Cardiomyopathy. Last evaluated: 2023-10-25. Review status: criteria provided, single submitter. Criteria: ACMG Guidelines, 2015. Collection method: clinical testing. Allele origin: germline.
Comment: This missense variant replaces phenylalanine with leucine at codon 1590 of the RYR2 protein. Computational prediction suggests that this variant may not impact protein structure and function. To our knowledge, functional studies have not been reported for this variant. This variant has not been reported in individuals affected with RYR2-related disorders in the literature. This variant has not been identified in the general population by the Genome Aggregation Database (gnomAD). The available evidence is insufficient to determine the role of this variant in disease conclusively. Therefore, this variant is classified as a Variant of Uncertain Significance.